The following is an entry in ClinVar:

ClinVar aggregate classification (germline): Conflicting classifications of pathogenicity. Review status: criteria provided, conflicting classifications (1 of 4 stars). 5 submissions from 5 submitters: Uncertain significance (2); Likely benign (2). 1 of the submissions does not count toward it. Last evaluated 2026-01-18.

Conditions:
Xeroderma pigmentosum, group C (XPC). Also called: XPC-Related Xeroderma Pigmentosum; Xeroderma pigmentosum, complementation group C; XERODERMA PIGMENTOSUM III; XP, GROUP C. Identifiers: Orphanet 910, MedGen C2752147, MONDO:0010211, OMIM 278720.
XPC-related disorder. Also called: XPC-related condition.
Xeroderma pigmentosum (XP). Identifiers: Orphanet 910, MedGen C0043346, MONDO:0019600.

Allele frequency attached by ClinVar (database versions not stated): gnomAD exomes 0.00004 and 0.00010; ExAC 0.00015; ESP Exome Variant Server 0.00024; gnomAD 0.00041 and 0.00042; TOPMed 0.00049; 1000 Genomes Project 30x 0.00094; 1000 Genomes Project 0.00100.
gnomAD v4.1: 124 of 1,613,400 alleles (0.0077%); highest among the groups gnomAD compares: African/African-American, 0.15%; no homozygotes.

Submissions (5):

Labcorp Genetics (formerly Invitae), Labcorp
Classification: Likely benign. Last evaluated: 2026-01-18. Review status: criteria provided, single submitter. Criteria: Invitae Variant Classification Sherloc (09022015). Collection method: clinical testing. Allele origin: germline.

GeneDx
Classification: Uncertain significance. Last evaluated: 2025-02-02. Review status: criteria provided, single submitter. Criteria: GeneDx Variant Classification Process June 2021. Collection method: clinical testing. Allele origin: germline. Affected: yes.
Comment: In silico analysis indicates that this variant does not alter splicing; Has not been previously published as pathogenic or benign to our knowledge

Sema4
Classification: Likely benign for Xeroderma pigmentosum. Last evaluated: 2020-12-29. Review status: criteria provided, single submitter. Criteria: Sema4 Curation Guidelines. Collection method: curation. Allele origin: germline.

Illumina Laboratory Services, Illumina
Classification: Uncertain significance for Xeroderma pigmentosum, group C. Last evaluated: 2018-01-13. Review status: criteria provided, single submitter. Criteria: ICSL Variant Classification Criteria 13 December 2019. Collection method: clinical testing. Allele origin: germline.

PreventionGenetics, part of Exact Sciences
Classification: Likely benign for XPC-related condition. Last evaluated: 2019-02-27. Review status: no assertion criteria provided. Collection method: clinical testing. Allele origin: germline. Not counted in ClinVar's aggregate classification.
Comment: This variant is classified as likely benign based on ACMG/AMP sequence variant interpretation guidelines (Richards et al. 2015 PMID: 25741868, with internal and published modifications).

NM_004628.5(XPC):c.2088G>A (p.Val696=)

Gene: XPC (XPC complex subunit, DNA damage recognition and repair factor; minus strand). Cytogenetic location: 3p25.1.
Variant type: single nucleotide variant.
Coding change: c.2088G>A on transcript NM_004628.5 (MANE Select); coding-DNA position 2088, G replaced by A.
Protein change: p.Val696=; no amino-acid change (valine 696 retained).
Molecular consequence: synonymous variant. On other transcripts: non-coding transcript variant (2).
Genome position (GRCh38, 1-based): chr3:14,152,362, C>T on the plus strand (G>A on the coding strand, the complement: XPC is on the minus strand). VCF-style: chr3-14152362-C-T. GRCh37 (hg19) VCF-style: chr3-14193862-C-T.
Other names: c.1509G>A, p.Val503= (NM_001354726.2); c.2082G>A, p.Val694= (NM_001354727.2); c.2070G>A, p.Val690= (NM_001354729.2); c.1842G>A, p.Val614= (NM_001354730.2).
Identifiers: ClinVar variation 695560 (VCV000695560.18), dbSNP rs182189497, ClinGen allele CA2267272.
Genomic context (GRCh38, chr3:14,152,362, plus strand): 5'-CACTCCCCACAGGGACCCCCCAGCTCCAGTTACCTTGTAGGGTACTTCTCCAAGCCTCAC[C>T]ACTCTTGCTTTCTTCAGCCACGTGTCCCTGGAATGCAGAGTGTGCACACAATCCCTGTGG-3'
Protein context (NP_004619.3, residues 686-706): SRDTWLKKAR[Val696=]VRLGEVPYKM